The following is an entry in ClinVar:

ClinVar aggregate classification (germline): Likely pathogenic (1 of 4 stars; one submission).

Conditions:
Tyrosinemia type I (TYRSN1). Also called: Tyrosinemia type 1; Fumarylacetoacetase deficiency; Deficiency of fumarylacetoacetase; HEPATORENAL TYROSINEMIA; FAH DEFICIENCY. Identifiers: Orphanet 882, MedGen C0268490, MONDO:0010161, OMIM 276700. Disease mechanism: loss of function.

Submission:

Labcorp Genetics (formerly Invitae), Labcorp
Classification: Likely pathogenic for Tyrosinemia type I. Last evaluated: 2020-01-29. Review status: criteria provided, single submitter. Criteria: Invitae Variant Classification Sherloc (09022015). Collection method: clinical testing. Allele origin: germline.
Comment: This variant is not present in population databases (ExAC no frequency). This sequence change affects a donor splice site in intron 4 of the FAH gene. It is expected to disrupt RNA splicing and likely results in an absent or disrupted protein product. This variant has not been reported in the literature in individuals with FAH-related conditions. In summary, the currently available evidence indicates that the variant is pathogenic, but additional data are needed to prove that conclusively. Therefore, this variant has been classified as Likely Pathogenic. Donor and acceptor splice site variants typically lead to a loss of protein function (PMID: 16199547), and loss-of-function variants in FAH are known to be pathogenic (PMID: 9101289, 9633815). Algorithms developed to predict the effect of sequence changes on RNA splicing suggest that this variant may disrupt the consensus splice site, but this prediction has not been confirmed by published transcriptional studies.

Literature cited by the submitters: PubMed 16199547; PubMed 9101289; PubMed 9633815.

NM_000137.4(FAH):c.364+2T>C

Genes: FAH (fumarylacetoacetate hydrolase; plus strand), LOC112272621 (Sharpr-MPRA regulatory region 12283; plus strand). Cytogenetic location: 15q25.1.
Variant type: single nucleotide variant.
Coding change: c.364+2T>C on transcript NM_000137.4 (MANE Select); the canonical splice donor site of the intron after coding-DNA position 364, T replaced by C.
Molecular consequence: splice donor variant.
Genome position (GRCh38, 1-based): chr15:80,160,461, T>C. VCF-style: chr15-80160461-T-C. GRCh37 (hg19) VCF-style: chr15-80452803-T-C.
Other names: c.364+2T>C (NM_001374377.1, NM_001374380.1).
Identifiers: ClinVar variation 1068347 (VCV001068347.9), dbSNP rs1595890740, ClinGen allele CA393619299.